The following is an entry in ClinVar:

NM_001267550.2(TTN):c.58711A>G (p.Met19571Val)

Genes: TTN (titin; minus strand), TTN-AS1 (TTN antisense RNA 1; plus strand). Cytogenetic location: 2q31.2.
Variant type: single nucleotide variant.
Coding change: c.58711A>G on transcript NM_001267550.2 (MANE Select); coding-DNA position 58711, A replaced by G.
Protein change: p.Met19571Val; replaces methionine 19571 with valine.
Molecular consequence: missense variant.
Genome position (GRCh38, 1-based): chr2:178,593,589, T>C on the plus strand (A>G on the coding strand, the complement: TTN is on the minus strand). VCF-style: chr2-178593589-T-C. GRCh37 (hg19) VCF-style: chr2-179458316-T-C.
Other names: c.53788A>G, p.Met17930Val (NM_001256850.1); c.31516A>G, p.Met10506Val (NM_003319.4); c.31891A>G, p.Met10631Val (NM_133432.3); c.32092A>G, p.Met10698Val (NM_133437.4); c.51007A>G, p.Met17003Val (NM_133378.4); short protein forms M17003V, M19571V, M10506V, M10631V, M10698V, M17930V.
Identifiers: ClinVar variation 229474 (VCV000229474.6), dbSNP rs770228515, ClinGen allele CA1992801.

ClinVar aggregate classification (germline): Uncertain significance. Review status: criteria provided, single submitter (1 of 4 stars). 2 submissions from 2 submitters: Uncertain significance (1). 1 of the submissions does not count toward it. Last evaluated 2015-11-24.

Conditions:
TTN-related disorder. Also called: TTN-related disorders; TTN-related condition; TTN-related disease.

Allele frequency attached by ClinVar (database versions not stated): ExAC 0.00001; gnomAD exomes 0.00001.

Submissions (2):

Laboratory for Molecular Medicine, Mass General Brigham Personalized Medicine
Classification: Uncertain significance. Last evaluated: 2015-11-24. Review status: criteria provided, single submitter. Criteria: LMM Criteria. Collection method: clinical testing. Allele origin: germline. Observed: 1 variant allele.
Comment: The p.Met17003Val variant in TTN has not been previously reported in individuals with DCM, but has been identified in 1/64380 European chromosomes by the Exome Aggregation Consortium (ExAC). Methionine (Met) at position 17003 is not conserved in evolutionarily distant species and 2 speci es (american alligator and lamprey) carry a valine (Val) at this position, raisi ng the possibility that this change may be tolerated. In summary, the clinical s ignificance of the p.Met17003Val variant is uncertain.

PreventionGenetics, part of Exact Sciences
Classification: Uncertain significance for TTN-related condition. Last evaluated: 2024-04-28. Review status: no assertion criteria provided. Collection method: clinical testing. Allele origin: germline. Not counted in ClinVar's aggregate classification.
Comment: The TTN c.58711A>G variant is predicted to result in the amino acid substitution p.Met19571Val. To our knowledge, this variant has not been reported in the literature. This variant is reported in 0.0018% of alleles in individuals of European (Non-Finnish) descent in gnomAD. At this time, the clinical significance of this variant is uncertain due to the absence of conclusive functional and genetic evidence.